The following is an entry in ClinVar:

NM_001161352.2(KCNMA1):c.-3G>A

Gene: KCNMA1 (potassium calcium-activated channel subfamily M alpha 1; minus strand). Cytogenetic location: 10q22.3.
Variant type: single nucleotide variant.
Coding change: c.-3G>A on transcript NM_001161352.2 (MANE Select); 3 bases upstream of the start codon, G replaced by A.
Molecular consequence: 5 prime UTR variant.
Genome position (GRCh38, 1-based): chr10:77,637,645, C>T on the plus strand (G>A on the coding strand, the complement: KCNMA1 is on the minus strand). VCF-style: chr10-77637645-C-T. GRCh37 (hg19) VCF-style: chr10-79397403-C-T.
Other names: c.-3G>A (NM_001014797.3, NM_001161353.2, NM_001271518.2 and 13 more transcripts).
Identifiers: ClinVar variation 3343019 (VCV003343019.1).

ClinVar aggregate classification (germline): Uncertain significance (1 of 4 stars; one submission).

Submission:

GeneDx
Classification: Uncertain significance. Last evaluated: 2023-04-12. Review status: criteria provided, single submitter. Criteria: GeneDx Variant Classification Process June 2021. Collection method: clinical testing. Allele origin: germline. Affected: yes.
Comment: Not observed at significant frequency in large population cohorts (gnomAD); Has not been previously published as pathogenic or benign to our knowledge; Regulatory variants have not been reported in the Human Gene Mutation Database in individuals with KCNMA1-related disorders (HGMD)